The following is an entry in ClinVar:

NM_001292063.2(OTOG):c.2246G>A (p.Arg749Gln)

Gene: OTOG (otogelin; plus strand). Cytogenetic location: 11p15.1.
Variant type: single nucleotide variant.
Coding change: c.2246G>A on transcript NM_001292063.2 (MANE Select); coding-DNA position 2246, G replaced by A.
Protein change: p.Arg749Gln; replaces arginine 749 with glutamine.
Molecular consequence: missense variant.
Genome position (GRCh38, 1-based): chr11:17,573,243, G>A. VCF-style: chr11-17573243-G-A. GRCh37 (hg19) VCF-style: chr11-17594790-G-A.
Other names: c.2282G>A, p.Arg761Gln (NM_001277269.2); short protein forms R749Q, R761Q.
Identifiers: ClinVar variation 3384473 (VCV003384473.1).

ClinVar aggregate classification (germline): Uncertain significance (1 of 4 stars; one submission).

gnomAD v4.1: 24 of 1,532,876 alleles (0.0016%); highest among the groups gnomAD compares: Admixed American, 0.0098%; no homozygotes.

Submission:

GeneDx
Classification: Uncertain significance. Last evaluated: 2024-06-03. Review status: criteria provided, single submitter. Criteria: GeneDx Variant Classification Process June 2021. Collection method: clinical testing. Allele origin: germline. Affected: yes.
Comment: In silico analysis indicates that this missense variant does not alter protein structure/function; Has not been previously published as pathogenic or benign to our knowledge